The following is an entry in ClinVar:

ClinVar aggregate classification (germline): Conflicting classifications of pathogenicity. Review status: criteria provided, conflicting classifications (1 of 4 stars). 5 submissions from 5 submitters: Pathogenic (2); Likely pathogenic (2); Uncertain significance (1). Last evaluated 2025-08-18.

Conditions:
Pigmentary pallidal degeneration (NBIA1). Also called: Neuroaxonal dystrophy, late infantile; Hallervorden-Spatz disease; PKAN NEUROAXONAL DYSTROPHY, JUVENILE-ONSET; Neurodegeneration with brain iron accumulation 1; HARP SYNDROME; Pantothenate Kinase-Associated Neurodegeneration. Identifiers: Orphanet 157850, MedGen C0018523, MONDO:0009319, OMIM 234200.

Allele frequency attached by ClinVar (database versions not stated): gnomAD exomes 0.00001; ExAC 0.00002; TOPMed 0.00001.
gnomAD v4.1: 4 of 1,614,070 alleles (0.00025%); highest among the groups gnomAD compares: East Asian, 0.0045%; no homozygotes.

Submissions (5):

Genetics and Genomic Medicine Centre, NeuroGen Healthcare, NeuroGen Healthcare
Classification: Likely pathogenic for Pigmentary pallidal degeneration. Last evaluated: 2025-08-18. Review status: criteria provided, single submitter. Criteria: ACMG Guidelines, 2015. Collection method: clinical testing. Allele origin: unknown. Affected: yes.

Labcorp Genetics (formerly Invitae), Labcorp
Classification: Pathogenic for Pigmentary pallidal degeneration. Last evaluated: 2024-04-08. Review status: criteria provided, single submitter. Criteria: Invitae Variant Classification Sherloc (09022015). Collection method: clinical testing. Allele origin: germline.
Comment: This sequence change replaces aspartic acid, which is acidic and polar, with glycine, which is neutral and non-polar, at codon 452 of the PANK2 protein (p.Asp452Gly). This variant is present in population databases (rs763496520, gnomAD 0.01%). This missense change has been observed in individuals with PANK2-related disease (PMID: 28881514; Invitae). ClinVar contains an entry for this variant (Variation ID: 945177). Advanced modeling of protein sequence and biophysical properties (such as structural, functional, and spatial information, amino acid conservation, physicochemical variation, residue mobility, and thermodynamic stability) performed at Invitae indicates that this missense variant is expected to disrupt PANK2 protein function with a positive predictive value of 95%. Algorithms developed to predict the effect of sequence changes on RNA splicing suggest that this variant may create or strengthen a splice site. For these reasons, this variant has been classified as Pathogenic.

3billion
Classification: Likely pathogenic for Pigmentary pallidal degeneration. Last evaluated: 2024-03-03. Review status: criteria provided, single submitter. Criteria: ACMG Guidelines, 2015. Collection method: clinical testing. Allele origin: germline. Affected: yes.
Comment: The variant is observed at an extremely low frequency in the gnomAD v2.1.1 dataset (total allele frequency: <0.001%). Predicted Consequence/Location: Missense variant In silico tool predictions suggest damaging effect of the variant on gene or gene product [REVEL: 0.95 (>=0.6, sensitivity 0.68 and specificity 0.92); 3Cnet: 0.75 (>=0.6, sensitivity 0.72 and precision 0.9)]. Same nucleotide change resulting in same amino acid change has been previously reported as pathogenic/likely pathogenic with strong evidence (ClinVar ID: VCV000945177 /PMID: 28881514). A different missense change at the same codon (p.Asp342Tyr) has been reported to be associated with PANK2 related disorder (ClinVar ID: VCV000579492). Therefore, this variant is classified as Likely pathogenic according to the recommendation of ACMG/AMP guideline.

Revvity Omics, Revvity
Classification: Uncertain significance. Last evaluated: 2020-04-09. Review status: criteria provided, single submitter. Criteria: ACMG Guidelines, 2015. Collection method: clinical testing. Allele origin: germline.

Pediatric Department, Xiangya Hospital, Central South University
Classification: Pathogenic for Pigmentary pallidal degeneration. Review status: criteria provided, single submitter. Criteria: ACMG Guidelines, 2015. Collection method: clinical testing. Allele origin: biparental. Inheritance: Autosomal recessive inheritance. Affected: yes. Observed: 2 homozygotes.

Literature cited by the submitters: PubMed 28881514 (cited by Labcorp Genetics (formerly Invitae), Labcorp and 3billion).

NM_001386393.1(PANK2):c.1025A>G (p.Asp342Gly)

Gene: PANK2 (pantothenate kinase 2; plus strand). Cytogenetic location: 20p13.
Variant type: single nucleotide variant.
Coding change: c.1025A>G on transcript NM_001386393.1 (MANE Select); coding-DNA position 1025, A replaced by G.
Protein change: p.Asp342Gly; replaces aspartic acid 342 with glycine.
Molecular consequence: missense variant. On other transcripts: non-coding transcript variant (1).
Genome position (GRCh38, 1-based): chr20:3,912,577, A>G. VCF-style: chr20-3912577-A-G. GRCh37 (hg19) VCF-style: chr20-3893224-A-G.
Other names: c.482A>G, p.Asp161Gly (NM_001324191.2, NM_024960.6, NM_153640.4); c.47A>G, p.Asp16Gly (NM_001324193.2); c.1355A>G, p.Asp452Gly (NM_153638.4); short protein forms D452G, D161G, D16G, D342G.
Identifiers: ClinVar variation 945177 (VCV000945177.38), dbSNP rs763496520, ClinGen allele CA9750821.